The following is an entry in ClinVar:

NM_000023.4(SGCA):c.100C>A (p.Arg34Ser)

Gene: SGCA (sarcoglycan alpha; plus strand). Cytogenetic location: 17q21.33.
Variant type: single nucleotide variant.
Coding change: c.100C>A on transcript NM_000023.4 (MANE Select); coding-DNA position 100, C replaced by A.
Protein change: p.Arg34Ser; replaces arginine 34 with serine.
Molecular consequence: missense variant. On other transcripts: non-coding transcript variant (1).
Genome position (GRCh38, 1-based): chr17:50,167,430, C>A. VCF-style: chr17-50167430-C-A. GRCh37 (hg19) VCF-style: chr17-48244791-C-A.
Other names: c.100C>A, p.Arg34Ser (NM_001135697.3); short protein forms R34S.
Identifiers: ClinVar variation 1498501 (VCV001498501.8), dbSNP rs758647756, ClinGen allele CA400176636.
Genomic context (GRCh38, chr17:50,167,430, plus strand): 5'-CTCCTGGCAGGGCTGGGGGACACCGAGGCCCAGCAGACCACGCTACACCCACTTGTGGGC[C>A]GTGTCTTTGTGCACACCTTGGACCATGAGACGTTTCTGAGCCTTCCTGAGCATGTCGGTG-3'
Protein context (NP_000014.1, residues 24-44): QQTTLHPLVG[Arg34Ser]VFVHTLDHET

ClinVar aggregate classification (germline): Likely pathogenic (1 of 4 stars; one submission).

Conditions:
Autosomal recessive limb-girdle muscular dystrophy type 2D (LGMDR3). Also called: ADHALINOPATHY, PRIMARY; DUCHENNE-LIKE AUTOSOMAL RECESSIVE MUSCULAR DYSTROPHY, TYPE 2; MUSCULAR DYSTROPHY, LIMB-GIRDLE, AUTOSOMAL RECESSIVE 3. Identifiers: Orphanet 62, MedGen C2936332, MONDO:0011968, OMIM 608099. Disease mechanism: Affects gamma-sarcoglycan and also disrupts the integrity of the entire sarcoglycan complex..

Submission:

Labcorp Genetics (formerly Invitae), Labcorp
Classification: Likely pathogenic for Autosomal recessive limb-girdle muscular dystrophy type 2D. Last evaluated: 2021-04-18. Review status: criteria provided, single submitter. Criteria: Invitae Variant Classification Sherloc (09022015). Collection method: clinical testing. Allele origin: germline.
Comment: In summary, the currently available evidence indicates that the variant is pathogenic, but additional data are needed to prove that conclusively. Therefore, this variant has been classified as Likely Pathogenic. This variant disrupts the p.Arg34 amino acid residue in SGCA. Other variant(s) that disrupt this residue have been determined to be pathogenic (PMID: 7663524, 9032047, 22095924). This suggests that this residue is clinically significant, and that variants that disrupt this residue are likely to be disease-causing. Algorithms developed to predict the effect of sequence changes on RNA splicing suggest that this variant may create or strengthen a splice site, but this prediction has not been confirmed by published transcriptional studies. Advanced modeling of protein sequence and biophysical properties (such as structural, functional, and spatial information, amino acid conservation, physicochemical variation, residue mobility, and thermodynamic stability) performed at Invitae indicates that this missense variant is expected to disrupt SGCA protein function. This variant has not been reported in the literature in individuals with SGCA-related conditions. This variant is not present in population databases (ExAC no frequency). This sequence change replaces arginine with serine at codon 34 of the SGCA protein (p.Arg34Ser). The arginine residue is moderately conserved and there is a moderate physicochemical difference between arginine and serine.

Literature cited by the submitters: PubMed 7663524; PubMed 9032047; PubMed 22095924.